The following is an entry in ClinVar:

NM_177438.3(DICER1):c.3386C>G (p.Pro1129Arg)

Gene: DICER1 (dicer 1, ribonuclease III; minus strand). Cytogenetic location: 14q32.13.
Variant type: single nucleotide variant.
Coding change: c.3386C>G on transcript NM_177438.3 (MANE Select); coding-DNA position 3386, C replaced by G.
Protein change: p.Pro1129Arg; replaces proline 1129 with arginine.
Molecular consequence: missense variant. On other transcripts: non-coding transcript variant (6).
Genome position (GRCh38, 1-based): chr14:95,104,010, G>C on the plus strand (C>G on the coding strand, the complement: DICER1 is on the minus strand). VCF-style: chr14-95104010-G-C. GRCh37 (hg19) VCF-style: chr14-95570347-G-C.
Other names: c.3386C>G, p.Pro1129Arg (NM_001271282.3, NM_001291628.2, NM_001395677.1 and 12 more transcripts); c.3104C>G, p.Pro1035Arg (NM_001395686.1); c.2981C>G, p.Pro994Arg (NM_001395687.1, NM_001395688.1, NM_001395689.1 and 2 more transcripts); c.2819C>G, p.Pro940Arg (NM_001395691.1); c.1703C>G, p.Pro568Arg (NM_001395697.1); short protein forms P568R, P994R, P1035R, P1129R, P940R.
Identifiers: ClinVar variation 5035240 (VCV005035240.1).

ClinVar aggregate classification (germline): Uncertain significance (1 of 4 stars; one submission).

Conditions:
Hereditary cancer-predisposing syndrome. Also called: Hereditary Cancer Syndrome; Neoplastic Syndromes, Hereditary; Tumor predisposition; Hereditary neoplastic syndrome. Identifiers: Orphanet 140162, MedGen C0027672, MeSH D009386, MONDO:0015356.

Submission:

Ambry Genetics
Classification: Uncertain significance for Hereditary cancer-predisposing syndrome. Last evaluated: 2026-07-01. Review status: criteria provided, single submitter. Criteria: Ambry Variant Classification Scheme 2023. Collection method: clinical testing. Allele origin: germline.
Comment: The p.P1129R variant (also known as c.3386C>G), located in coding exon 20 of the DICER1 gene, results from a C to G substitution at nucleotide position 3386. The proline at codon 1129 is replaced by arginine, an amino acid with dissimilar properties. This amino acid position is conserved. In addition, this alteration is predicted to be deleterious by in silico analysis. Based on the available evidence, the clinical significance of this variant remains unclear.